The following is an entry in ClinVar:

ClinVar aggregate classification (germline): Pathogenic (1 of 4 stars; one submission).

Submission:

GeneDx
Classification: Pathogenic. Last evaluated: 2015-03-31. Review status: criteria provided, single submitter. Criteria: GeneDx Variant Classification (06012015). Collection method: clinical testing. Allele origin: germline. Affected: yes.
Comment: The c.3807delT deletion in the CHD7 gene has been reported previously in association with CHARGEsyndrome (Janssen et al., 2012). This deletion is predicted to cause loss of normal protein function either through protein truncation or nonsense-mediated mRNA decay. The c.3807delT variant was not observed in approximately 6,000 individuals of European and African American ancestry in the NHLBI Exome Sequencing Project, indicating it is not a common benignvariant in these populations. Therefore, we interpret c.3807delT as a pathogenic variant.

NM_017780.4(CHD7):c.3807del (p.Phe1269fs)

Gene: CHD7 (chromodomain helicase DNA binding protein 7; plus strand). Cytogenetic location: 8q12.2.
Variant type: Deletion.
Coding change: c.3807del on transcript NM_017780.4 (MANE Select); coding-DNA position 3807, one base deleted (T; older notation c.3807delT).
Protein change: p.Phe1269fs; shifts the reading frame from phenylalanine 1269.
Molecular consequence: frameshift variant. On other transcripts: intron variant (1).
Genome position (GRCh38, 1-based): chr8:60,836,101, T deleted; the last of 3 consecutive T bases (chr8:60,836,099-60,836,101); deleting any one gives the same sequence. VCF-style (leftmost placement, unchanged base first): chr8-60836098-GT-G. GRCh37 (hg19) VCF-style: chr8-61748657-GT-G.
Other names: c.3807del (LRG_176t1); c.1717-26128del (NM_001316690.1); short protein forms F1269fs.
Identifiers: ClinVar variation 418832 (VCV000418832.2), dbSNP rs1064793463, ClinGen allele CA16618666.
Genomic context (GRCh38, chr8:60,836,098, plus strand): 5'-TACAGTATTCACGTTATGCTGTCCAATCTCTGCAGGTGCTGAAGAGAAAATTTTGGAAGA[GT>G]TTAAAGAAACACACAATGCAGAGTCTCCAGATTTTCAGCTCCAGGCAATGATCCAGGCTG-3'